The following is an entry in ClinVar:

ClinVar aggregate classification (germline): Likely benign. Review status: criteria provided, multiple submitters, no conflicts (2 of 4 stars). 2 submissions from 2 submitters: Likely benign (2). Last evaluated 2025-08-31.

Conditions:
Predisposition to invasive fungal disease due to CARD9 deficiency (IMD103). Also called: Candidiasis, familial, 2, autosomal recessive; CARD9 IMMUNODEFICIENCY; IMMUNODEFICIENCY 103, SUSCEPTIBILITY TO FUNGAL INFECTIONS. Identifiers: Orphanet 457088, MedGen C1859353, MONDO:0008905, OMIM 212050.
CARD9-related disorder. Also called: CARD9-related condition.

Allele frequency attached by ClinVar (database versions not stated): gnomAD exomes 0.00003 and 0.00004; TOPMed 0.00003; ExAC 0.00005; gnomAD 0.00005 and 0.00006; ESP Exome Variant Server 0.00008.
gnomAD v4.1: 48 of 1,612,674 alleles (0.003%); highest among the groups gnomAD compares: Non-Finnish European, 0.0031%; no homozygotes.

Submissions (2):

Labcorp Genetics (formerly Invitae), Labcorp
Classification: Likely benign for Predisposition to invasive fungal disease due to CARD9 deficiency. Last evaluated: 2025-08-31. Review status: criteria provided, single submitter. Criteria: Invitae Variant Classification Sherloc (09022015). Collection method: clinical testing. Allele origin: germline.

PreventionGenetics, part of Exact Sciences
Classification: Likely benign for CARD9-related condition. Last evaluated: 2025-01-28. Review status: criteria provided, single submitter. Criteria: ACMG Guidelines, 2015. Collection method: clinical testing. Allele origin: germline.
Comment: This variant is classified as likely benign based on ACMG/AMP sequence variant interpretation guidelines (Richards et al. 2015 PMID: 25741868, with internal and published modifications).

NM_052813.5(CARD9):c.666C>T (p.Asp222=)

Gene: CARD9 (caspase recruitment domain family member 9; minus strand). Cytogenetic location: 9q34.3.
Variant type: single nucleotide variant.
Coding change: c.666C>T on transcript NM_052813.5 (MANE Select); coding-DNA position 666, C replaced by T.
Protein change: p.Asp222=; no amino-acid change (aspartic acid 222 retained).
Molecular consequence: synonymous variant.
Genome position (GRCh38, 1-based): chr9:136,370,663, G>A on the plus strand (C>T on the coding strand, the complement: CARD9 is on the minus strand). VCF-style: chr9-136370663-G-A. GRCh37 (hg19) VCF-style: chr9-139265115-G-A.
Other names: c.666C>T (NM_052813.4); c.666C>T, p.Asp222= (NM_052814.4).
Identifiers: ClinVar variation 1572135 (VCV001572135.12), dbSNP rs375985866, ClinGen allele CA5333011.